The following is an entry in ClinVar:

NM_001367624.2(ZNF469):c.3466G>A (p.Glu1156Lys)

Gene: ZNF469 (zinc finger protein 469; plus strand). Cytogenetic location: 16q24.2.
Variant type: single nucleotide variant.
Coding change: c.3466G>A on transcript NM_001367624.2 (MANE Select); coding-DNA position 3466, G replaced by A.
Protein change: p.Glu1156Lys; replaces glutamic acid 1156 with lysine.
Molecular consequence: missense variant.
Genome position (GRCh38, 1-based): chr16:88,430,936, G>A. VCF-style: chr16-88430936-G-A. GRCh37 (hg19) VCF-style: chr16-88497344-G-A.
Other names: NM_001127464.1:c.3382G>A; NM_001127464.2:c.3382G>A; short protein forms E1156K.
Identifiers: ClinVar variation 2408012 (VCV002408012.9), dbSNP rs899515970, ClinGen allele CA286374877.
Genomic context (GRCh38, chr16:88,430,936, plus strand): 5'-CAGAAACCCCGGAAGGCGGCGAGGCAGGAAGCCGGCGGGGACGGAGCCCCCGCGAACCCC[G>A]AGGAGCCGGGCGGGTCTCGCCCGGGCCCCGGCAGGAGCCCTCAGGCCCGTGGCCCGTCTC-3'
Protein context (NP_001354553.1, residues 1146-1166): AGGDGAPANP[Glu1156Lys]EPGGSRPGPG

ClinVar aggregate classification (germline): Conflicting classifications of pathogenicity. Review status: criteria provided, conflicting classifications (1 of 4 stars). 5 submissions from 5 submitters: Uncertain significance (4); Likely benign (1). Last evaluated 2026-09-04.

Conditions:
Brittle cornea syndrome 1 (BCS1). Also called: Corneal fragility keratoglobus, blue sclerae AND joint hypermobility; DYSGENESIS MESODERMALIS CORNEAE ET SCLERAE; CORNEAL FRAGILITY, KERATOGLOBUS, BLUE SCLERAE, JOINT HYPEREXTENSIBILITY; EDS6B; FRAGILITAS OCULI WITH JOINT HYPEREXTENSIBILITY. Identifiers: Orphanet 90354, MedGen C0268344, MONDO:0024543, OMIM 229200.
Cardiovascular phenotype. Identifiers: MedGen CN230736.
ZNF469-related disorder. Also called: ZNF469-related condition.

gnomAD v4.1: 105 of 1,535,854 alleles (0.0068%); highest among the groups gnomAD compares: African/African-American, 0.067%; no homozygotes.

Submissions (5):

PreventionGenetics, part of Exact Sciences
Classification: Uncertain significance for ZNF469-related condition. Last evaluated: 2026-09-04. Review status: criteria provided, single submitter. Criteria: ACMG Guidelines, 2015. Collection method: clinical testing. Allele origin: germline.
Comment: The ZNF469 c.3382G>A variant is predicted to result in the amino acid substitution p.Glu1128Lys. To our knowledge, this variant has not been reported in the literature. This variant is reported in 0.052% of alleles in individuals of African descent in gnomAD, which is likely too common for an undocumented disease-causing variant. Although we suspect that this variant may be benign, at this time, the clinical significance of this variant is uncertain due to the absence of conclusive functional and genetic evidence.

Women's Health and Genetics/Laboratory Corporation of America, LabCorp
Classification: Uncertain significance. Last evaluated: 2026-02-13. Review status: criteria provided, single submitter. Criteria: LabCorp Variant Classification Summary - May 2015. Collection method: clinical testing. Allele origin: germline.
Comment: Variant summary: ZNF469 c.3466G>A (p.Glu1156Lys) results in a conservative amino acid change in the encoded protein sequence. Algorithms developed to predict the effect of missense changes on protein structure and function are either unavailable or do not agree on the potential impact of this missense change. The variant allele was found at a frequency of 3.7e-05 in 135104 control chromosomes. The available data on variant occurrences in the general population are insufficient to allow any conclusion about variant significance. To our knowledge, no occurrence of c.3466G>A in individuals affected with ZNF469-related conditions and no experimental evidence demonstrating its impact on protein function have been reported. ClinVar contains an entry for this variant (Variation ID: 2408012). Based on the evidence outlined above, the variant was classified as uncertain significance.

Labcorp Genetics (formerly Invitae), Labcorp
Classification: Uncertain significance. Last evaluated: 2024-01-18. Review status: criteria provided, single submitter. Criteria: Invitae Variant Classification Sherloc (09022015). Collection method: clinical testing. Allele origin: germline.
Comment: This sequence change replaces glutamic acid, which is acidic and polar, with lysine, which is basic and polar, at codon 1128 of the ZNF469 protein (p.Glu1128Lys). This variant is present in population databases (no rsID available, gnomAD 0.05%). This variant has not been reported in the literature in individuals affected with ZNF469-related conditions. ClinVar contains an entry for this variant (Variation ID: 2408012). Algorithms developed to predict the effect of missense changes on protein structure and function output the following: SIFT: "Not Available"; PolyPhen-2: "Benign"; Align-GVGD: "Not Available". The lysine amino acid residue is found in multiple mammalian species, which suggests that this missense change does not adversely affect protein function. In summary, the available evidence is currently insufficient to determine the role of this variant in disease. Therefore, it has been classified as a Variant of Uncertain Significance.

Ambry Genetics
Classification: Likely benign for Cardiovascular phenotype. Last evaluated: 2022-11-30. Review status: criteria provided, single submitter. Criteria: Ambry Variant Classification Scheme 2023. Collection method: clinical testing. Allele origin: germline.

Department of Pathology and Laboratory Medicine, Sinai Health System
Classification: Uncertain significance for Brittle cornea syndrome 1. Last evaluated: 2022-11-03. Review status: criteria provided, single submitter. Criteria: ACMG Guidelines, 2015. Collection method: research. Allele origin: germline.